The following is an entry in ClinVar:

ClinVar aggregate classification (germline): Uncertain significance (1 of 4 stars; one submission).

Conditions:
Hypertrophic cardiomyopathy 1 (CMH1). Also called: MYH7-Related Familial Hypertrophic Cardiomyopathy; Familial hypertrophic cardiomyopathy 1. Identifiers: MedGen C3495498, MONDO:0008647, OMIM 192600.

Allele frequency attached by ClinVar (database versions not stated): gnomAD exomes below 0.00001; TOPMed below 0.00001.
gnomAD v4.1: 1 of 1,614,110 alleles (0.000062%); highest among the groups gnomAD compares: African/African-American, 0.0013%; no homozygotes.

Submission:

Labcorp Genetics (formerly Invitae), Labcorp
Classification: Uncertain significance for Hypertrophic cardiomyopathy 1. Last evaluated: 2023-05-01. Review status: criteria provided, single submitter. Criteria: Invitae Variant Classification Sherloc (09022015). Collection method: clinical testing. Allele origin: germline.
Comment: This sequence change creates a premature translational stop signal (p.Trp499*) in the MYLK2 gene. It is expected to result in an absent or disrupted protein product. However, the current clinical and genetic evidence is not sufficient to establish whether loss-of-function variants in MYLK2 cause disease. This variant is not present in population databases (gnomAD no frequency). In summary, the available evidence is currently insufficient to determine the role of this variant in disease. Therefore, it has been classified as a Variant of Uncertain Significance. Algorithms developed to predict the effect of sequence changes on RNA splicing suggest that this variant may create or strengthen a splice site. This variant has not been reported in the literature in individuals affected with MYLK2-related conditions.

NM_033118.4(MYLK2):c.1496G>A (p.Trp499Ter)

Gene: MYLK2 (myosin light chain kinase 2; plus strand). Cytogenetic location: 20q11.21.
Variant type: single nucleotide variant.
Coding change: c.1496G>A on transcript NM_033118.4 (MANE Select); coding-DNA position 1496, G replaced by A.
Protein change: p.Trp499Ter; replaces tryptophan 499 with a stop codon.
Molecular consequence: nonsense.
Genome position (GRCh38, 1-based): chr20:31,831,774, G>A. VCF-style: chr20-31831774-G-A. GRCh37 (hg19) VCF-style: chr20-30419577-G-A.
Other names: short protein forms W499*.
Identifiers: ClinVar variation 2783719 (VCV002783719.3), dbSNP rs2062307658, ClinGen allele CA408528023.